The following is an entry in ClinVar:

NM_000829.4(GRIA4):c.2326A>G (p.Ser776Gly)

Gene: GRIA4 (glutamate ionotropic receptor AMPA type subunit 4; plus strand). Cytogenetic location: 11q22.3.
Variant type: single nucleotide variant.
Coding change: c.2326A>G on transcript NM_000829.4 (MANE Select); coding-DNA position 2326, A replaced by G.
Protein change: p.Ser776Gly; replaces serine 776 with glycine.
Molecular consequence: missense variant. On other transcripts: non-coding transcript variant (1), intron variant (12).
Genome position (GRCh38, 1-based): chr11:105,971,945, A>G. VCF-style: chr11-105971945-A-G. GRCh37 (hg19) VCF-style: chr11-105842672-A-G.
Other names: c.2326A>G, p.Ser776Gly (NM_001440386.1, NM_001440387.1, NM_001440392.1 and 1 more transcripts); c.2305A>G, p.Ser769Gly (NM_001440388.1, NM_001440389.1); c.2410-2365A>G (NM_001440383.1, NM_001077243.3, NM_001440382.1 and 3 more transcripts); c.2047-2365A>G (NM_001440395.1, NM_001440396.1); c.2389-2365A>G (NM_001440390.1); c.1456-2365A>G (NM_001440398.1); c.2203-2365A>G (NM_001440394.1); c.1159-2365A>G (NM_001440399.1); short protein forms S769G, S776G.
Identifiers: ClinVar variation 5009083 (VCV005009083.1).

ClinVar aggregate classification (germline): Uncertain significance (1 of 4 stars; one submission).

gnomAD v4.1: 1 of 1,612,202 alleles (0.000062%); highest among the groups gnomAD compares: Non-Finnish European, 0.000085%; no homozygotes.

Submission:

GeneDx
Classification: Uncertain significance. Last evaluated: 2026-03-16. Review status: criteria provided, single submitter. Criteria: GeneDx Variant Classification Process June 2021. Collection method: clinical testing. Allele origin: germline.
Comment: Not observed at significant frequency in large population cohorts (gnomAD); In silico analysis suggests that this missense variant does not alter protein structure/function; Has not been previously published as pathogenic or benign to our knowledge